The following is an entry in ClinVar:

ClinVar aggregate classification (germline): Uncertain significance. Review status: criteria provided, multiple submitters, no conflicts (2 of 4 stars). 2 submissions from 2 submitters: Uncertain significance (2). Last evaluated 2023-04-09.

Conditions:
Autosomal dominant limb-girdle muscular dystrophy type 1F (LGMDD2). Also called: MUSCULAR DYSTROPHY, LIMB-GIRDLE, AUTOSOMAL DOMINANT 2; Limb-girdle muscular dystrophy, type 1F. Identifiers: Orphanet 55595, MedGen C1842062, MONDO:0012034, OMIM 608423.

Allele frequency attached by ClinVar (database versions not stated): gnomAD exomes below 0.00001; TOPMed below 0.00001.
gnomAD v4.1: 3 of 1,614,016 alleles (0.00019%); highest among the groups gnomAD compares: Non-Finnish European, 0.00025%; no homozygotes.

Submissions (2):

Labcorp Genetics (formerly Invitae), Labcorp
Classification: Uncertain significance for Autosomal dominant limb-girdle muscular dystrophy type 1F. Last evaluated: 2023-04-09. Review status: criteria provided, single submitter. Criteria: Invitae Variant Classification Sherloc (09022015). Collection method: clinical testing. Allele origin: germline.
Comment: This sequence change replaces serine, which is neutral and polar, with glycine, which is neutral and non-polar, at codon 207 of the TNPO3 protein (p.Ser207Gly). In summary, the available evidence is currently insufficient to determine the role of this variant in disease. Therefore, it has been classified as a Variant of Uncertain Significance. Advanced modeling of protein sequence and biophysical properties (such as structural, functional, and spatial information, amino acid conservation, physicochemical variation, residue mobility, and thermodynamic stability) performed at Invitae indicates that this missense variant is not expected to disrupt TNPO3 protein function. ClinVar contains an entry for this variant (Variation ID: 2437155). This variant has not been reported in the literature in individuals affected with TNPO3-related conditions. This variant is not present in population databases (gnomAD no frequency).

Revvity Omics, Revvity
Classification: Uncertain significance for Autosomal dominant limb-girdle muscular dystrophy type 1F. Last evaluated: 2019-04-24. Review status: criteria provided, single submitter. Criteria: ACMG Guidelines, 2015. Collection method: clinical testing. Allele origin: germline.

NM_012470.4(TNPO3):c.619A>G (p.Ser207Gly)

Gene: TNPO3 (transportin 3; minus strand). Cytogenetic location: 7q32.1.
Variant type: single nucleotide variant.
Coding change: c.619A>G on transcript NM_012470.4 (MANE Select); coding-DNA position 619, A replaced by G.
Protein change: p.Ser207Gly; replaces serine 207 with glycine.
Molecular consequence: missense variant. On other transcripts: non-coding transcript variant (18), intron variant (1).
Genome position (GRCh38, 1-based): chr7:129,005,093, T>C on the plus strand (A>G on the coding strand, the complement: TNPO3 is on the minus strand). VCF-style: chr7-129005093-T-C. GRCh37 (hg19) VCF-style: chr7-128645147-T-C.
Other names: c.619A>G, p.Ser207Gly (NM_001191028.3, NM_001382216.1, NM_001382218.1 and 4 more transcripts); c.700A>G, p.Ser234Gly (NM_001382217.1); c.553-3859A>G (NM_001382221.1); short protein forms S207G, S234G.
Identifiers: ClinVar variation 2437155 (VCV002437155.6), dbSNP rs777728222, ClinGen allele CA166222283.